The following is an entry in ClinVar:

NM_001145252.3(CFP):c.769G>A (p.Ala257Thr)

Gene: CFP (complement factor properdin; minus strand). Cytogenetic location: Xp11.23.
Variant type: single nucleotide variant.
Coding change: c.769G>A on transcript NM_001145252.3 (MANE Select); coding-DNA position 769, G replaced by A.
Protein change: p.Ala257Thr; replaces alanine 257 with threonine.
Molecular consequence: missense variant.
Genome position (GRCh38, 1-based): chrX:47,626,944, C>T on the plus strand (G>A on the coding strand, the complement: CFP is on the minus strand). VCF-style: chrX-47626944-C-T. GRCh37 (hg19) VCF-style: chrX-47486343-C-T.
Other names: c.769G>A, p.Ala257Thr (NM_002621.2); short protein forms A257T.
Identifiers: ClinVar variation 1439735 (VCV001439735.6), dbSNP rs769720636, ClinGen allele CA10398897.
Genomic context (GRCh38, chrX:47,626,944, plus strand): 5'-GGCCCAGGCCACAGGTCACAGGGCAGGGGCTCACAGGGCCCCAAGGCCCCCAGCCCCCAG[C>T]CACTGTTGGAGGAGGAAAGGGAGTGAGGAGAAAGGCCTCCTCAATCCTTCCTCTCAGCCC-3'
Protein context (NP_001138724.1, residues 247-267): RCTGLPPCPV[Ala257Thr]GGWGPWGPVS

ClinVar aggregate classification (germline): Uncertain significance (1 of 4 stars; one submission).

Allele frequency attached by ClinVar (database versions not stated): gnomAD exomes below 0.00001.

Submission:

Labcorp Genetics (formerly Invitae), Labcorp
Classification: Uncertain significance. Last evaluated: 2021-10-13. Review status: criteria provided, single submitter. Criteria: Invitae Variant Classification Sherloc (09022015). Collection method: clinical testing. Allele origin: germline.
Comment: This variant has not been reported in the literature in individuals affected with CFP-related conditions. This sequence change replaces alanine with threonine at codon 257 of the CFP protein (p.Ala257Thr). The alanine residue is moderately conserved and there is a small physicochemical difference between alanine and threonine. The frequency data for this variant in the population databases is considered unreliable, as metrics indicate poor data quality at this position in the ExAC database. Algorithms developed to predict the effect of missense changes on protein structure and function are either unavailable or do not agree on the potential impact of this missense change (SIFT: "Tolerated"; PolyPhen-2: "Possibly Damaging"; Align-GVGD: "Class C0"). In summary, the available evidence is currently insufficient to determine the role of this variant in disease. Therefore, it has been classified as a Variant of Uncertain Significance.